The following is an entry in ClinVar:

ClinVar aggregate classification (germline): Conflicting classifications of pathogenicity. Review status: criteria provided, conflicting classifications (1 of 4 stars). 3 submissions from 3 submitters: Uncertain significance (2); Likely benign (1). Last evaluated 2024-06-17.

Conditions:
Hereditary cancer-predisposing syndrome. Also called: Tumor predisposition; Hereditary Cancer Syndrome; Neoplastic Syndromes, Hereditary; Hereditary neoplastic syndrome. Identifiers: Orphanet 140162, MedGen C0027672, MeSH D009386, MONDO:0015356.
Hereditary breast ovarian cancer syndrome. Also called: Hereditary breast and ovarian cancer; Breast and ovarian cancer; Hereditary breast and/or ovarian cancer syndrome; Hereditary breast and ovarian cancer syndrome; BRCA1- and BRCA2-Associated Hereditary Breast and Ovarian Cancer; Hereditary breast and ovarian cancer syndrome (HBOC). Identifiers: Orphanet 145, MedGen C0677776, MeSH D061325, MONDO:0003582. Disease mechanism: loss of function.

gnomAD v4.1: 1 of 1,614,104 alleles (0.000062%); highest among the groups gnomAD compares: Non-Finnish European, 0.000085%; no homozygotes.

Submissions (3):

Labcorp Genetics (formerly Invitae), Labcorp
Classification: Uncertain significance for Hereditary breast ovarian cancer syndrome. Last evaluated: 2024-06-17. Review status: criteria provided, single submitter. Criteria: Invitae Variant Classification Sherloc (09022015). Collection method: clinical testing. Allele origin: germline.
Comment: This sequence change replaces isoleucine, which is neutral and non-polar, with threonine, which is neutral and polar, at codon 3207 of the BRCA2 protein (p.Ile3207Thr). This variant is not present in population databases (gnomAD no frequency). This variant has not been reported in the literature in individuals affected with BRCA2-related conditions. ClinVar contains an entry for this variant (Variation ID: 823377). Advanced modeling of protein sequence and biophysical properties (such as structural, functional, and spatial information, amino acid conservation, physicochemical variation, residue mobility, and thermodynamic stability) performed at Invitae indicates that this missense variant is not expected to disrupt BRCA2 protein function with a negative predictive value of 95%. In summary, the available evidence is currently insufficient to determine the role of this variant in disease. Therefore, it has been classified as a Variant of Uncertain Significance.

Color Diagnostics, LLC DBA Color Health
Classification: Uncertain significance for Hereditary cancer-predisposing syndrome. Last evaluated: 2022-11-16. Review status: criteria provided, single submitter. Criteria: ACMG Guidelines, 2015. Collection method: clinical testing. Allele origin: germline.
Comment: This missense variant replaces isoleucine with threonine at codon 3207 of the BRCA2 protein. Computational prediction suggests that this variant may not impact protein structure and function (internally defined REVEL score threshold <= 0.5, PMID: 27666373). To our knowledge, functional studies have not been reported for this variant. This variant has been reported in one individual affected with breast cancer (PMID: 33471991; Leiden Open Variation Database DB-ID BRCA2_008779). This variant has not been identified in the general population by the Genome Aggregation Database (gnomAD). The available evidence is insufficient to determine the role of this variant in disease conclusively. Therefore, this variant is classified as a Variant of Uncertain Significance.

Ambry Genetics
Classification: Likely benign for Hereditary cancer-predisposing syndrome. Last evaluated: 2019-08-22. Review status: criteria provided, single submitter. Criteria: Ambry Variant Classification Scheme 2023. Collection method: clinical testing. Allele origin: germline.

Literature cited by the submitters: PubMed 33471991 (cited by Color Diagnostics, LLC DBA Color Health).

NM_000059.4(BRCA2):c.9620T>C (p.Ile3207Thr)

Gene: BRCA2 (BRCA2 DNA repair associated; plus strand). Cytogenetic location: 13q13.1.
Variant type: single nucleotide variant.
Coding change: c.9620T>C on transcript NM_000059.4 (MANE Select); coding-DNA position 9620, T replaced by C.
Protein change: p.Ile3207Thr; replaces isoleucine 3207 with threonine.
Molecular consequence: missense variant.
Genome position (GRCh38, 1-based): chr13:32,397,016, T>C. VCF-style: chr13-32397016-T-C. GRCh37 (hg19) VCF-style: chr13-32971153-T-C.
Other names: short protein forms I3207T.
Identifiers: ClinVar variation 823377 (VCV000823377.11), dbSNP rs876658942, ClinGen allele CA387763691.